The following is an entry in ClinVar:

ClinVar aggregate classification (germline): Uncertain significance (1 of 4 stars; one submission).

Conditions:
Congenital myotonia, autosomal dominant form (THD). Also called: THOMSEN DISEASE; Myotonia congenita autosomal dominant. Identifiers: Orphanet 614, MedGen C2936781, MONDO:0008055, OMIM 160800.
Congenital myotonia, autosomal recessive form. Also called: Becker Generalized Myotonia; myotonia congenita, autosomal recessive; BECKER DISEASE. Identifiers: Orphanet 614, MedGen C0751360, MONDO:0009715, OMIM 255700.

gnomAD v4.1: 2 of 1,613,790 alleles (0.00012%); highest among the groups gnomAD compares: Non-Finnish European, 0.00017%; no homozygotes.

Submission:

Labcorp Genetics (formerly Invitae), Labcorp
Classification: Uncertain significance for Congenital myotonia, autosomal recessive form; Congenital myotonia, autosomal dominant form. Last evaluated: 2024-05-25. Review status: criteria provided, single submitter. Criteria: Invitae Variant Classification Sherloc (09022015). Collection method: clinical testing. Allele origin: germline.
Comment: This sequence change replaces threonine, which is neutral and polar, with alanine, which is neutral and non-polar, at codon 398 of the CLCN1 protein (p.Thr398Ala). This variant is not present in population databases (gnomAD no frequency). This variant has not been reported in the literature in individuals affected with CLCN1-related conditions. Advanced modeling of protein sequence and biophysical properties (such as structural, functional, and spatial information, amino acid conservation, physicochemical variation, residue mobility, and thermodynamic stability) has been performed at Invitae for this missense variant, however the output from this modeling did not meet the statistical confidence thresholds required to predict the impact of this variant on CLCN1 protein function. In summary, the available evidence is currently insufficient to determine the role of this variant in disease. Therefore, it has been classified as a Variant of Uncertain Significance.

NM_000083.3(CLCN1):c.1192A>G (p.Thr398Ala)

Gene: CLCN1 (chloride voltage-gated channel 1; plus strand). Cytogenetic location: 7q34.
Variant type: single nucleotide variant.
Coding change: c.1192A>G on transcript NM_000083.3 (MANE Select); coding-DNA position 1192, A replaced by G.
Protein change: p.Thr398Ala; replaces threonine 398 with alanine.
Molecular consequence: missense variant. On other transcripts: non-coding transcript variant (1).
Genome position (GRCh38, 1-based): chr7:143,332,444, A>G. VCF-style: chr7-143332444-A-G. GRCh37 (hg19) VCF-style: chr7-143029537-A-G.
Other names: short protein forms T398A.
Identifiers: ClinVar variation 3763499 (VCV003763499.2).